The following is an entry in ClinVar:

NM_001365951.3(KIF1B):c.3082C>A (p.Gln1028Lys)

Gene: KIF1B (kinesin family member 1B; plus strand). Cytogenetic location: 1p36.22.
Variant type: single nucleotide variant.
Coding change: c.3082C>A on transcript NM_001365951.3 (MANE Select); coding-DNA position 3082, C replaced by A.
Protein change: p.Gln1028Lys; replaces glutamine 1028 with lysine.
Molecular consequence: missense variant.
Genome position (GRCh38, 1-based): chr1:10,336,695, C>A. VCF-style: chr1-10336695-C-A. GRCh37 (hg19) VCF-style: chr1-10396753-C-A.
Other names: c.3082C>A, p.Gln1028Lys (NM_001365952.1); c.2944C>A, p.Gln982Lys (NM_015074.3); short protein forms Q982K, Q1028K.
Identifiers: ClinVar variation 4826096 (VCV004826096.1).
Genomic context (GRCh38, chr1:10,336,695, plus strand): 5'-CTAATTTTTTTTTCTGCTTTAGCGGATGAAGAAGCTCCTGATTATGGCTCTGGAATTCGA[C>A]AGTCAGGAACAGCTAAAATATCTTTTGATAATGAATACTTTAATCAGGTGAGAAACCGTC-3'
Protein context (NP_001352880.1, residues 1018-1038): EAPDYGSGIR[Gln1028Lys]SGTAKISFDN

ClinVar aggregate classification (germline): Uncertain significance (1 of 4 stars; one submission).

Submission:

Ambry Genetics
Classification: Uncertain significance. Last evaluated: 2026-03-07. Review status: criteria provided, single submitter. Criteria: Ambry Variant Classification Scheme 2023. Collection method: clinical testing. Allele origin: germline.
Comment: The p.Q982K variant (also known as c.2944C>A), located in coding exon 26 of the KIF1B gene, results from a C to A substitution at nucleotide position 2944. The glutamine at codon 982 is replaced by lysine, an amino acid with similar properties. This amino acid position is conserved. In addition, this alteration is predicted to be deleterious by in silico analysis. Based on the available evidence, the clinical significance of this variant remains unclear.